The following is an entry in ClinVar:

ClinVar aggregate classification (germline): Pathogenic (1 of 4 stars; one submission).

Conditions:
Glycogen storage disease type X (GSD10). Also called: GSD X; Glycogen storage disease due to phosphoglycerate mutase deficiency; MYOPATHY DUE TO PHOSPHOGLYCERATE MUTASE DEFICIENCY; PGAMM DEFICIENCY; PHOSPHOGLYCERATE MUTASE, MUSCLE, DEFICIENCY OF; Dimauro disease. Identifiers: Orphanet 97234, MedGen C0268149, MONDO:0009865, OMIM 261670.

Submission:

Labcorp Genetics (formerly Invitae), Labcorp
Classification: Pathogenic for Glycogen storage disease type X. Last evaluated: 2025-04-02. Review status: criteria provided, single submitter. Criteria: Invitae Variant Classification Sherloc (09022015). Collection method: clinical testing. Allele origin: germline.
Comment: This sequence change creates a premature translational stop signal (p.Trp25*) in the PGAM2 gene. It is expected to result in an absent or disrupted protein product. Loss-of-function variants in PGAM2 are known to be pathogenic (PMID: 8447317, 19273759). This variant is not present in population databases (gnomAD no frequency). This variant has not been reported in the literature in individuals affected with PGAM2-related conditions. ClinVar contains an entry for this variant (Variation ID: 3633329). For these reasons, this variant has been classified as Pathogenic.

Literature cited by the submitters: PubMed 8447317; PubMed 19273759.

NM_000290.4(PGAM2):c.74G>A (p.Trp25Ter)

Genes: DBNL (drebrin like; plus strand), PGAM2 (phosphoglycerate mutase 2; minus strand). Cytogenetic location: 7p13.
Variant type: single nucleotide variant.
Coding change: c.74G>A on transcript NM_000290.4 (MANE Select); coding-DNA position 74, G replaced by A.
Protein change: p.Trp25Ter; replaces tryptophan 25 with a stop codon.
Molecular consequence: nonsense. On other transcripts: 3 prime UTR variant (6).
Genome position (GRCh38, 1-based): chr7:44,065,456, C>T on the plus strand (G>A on the coding strand, the complement: PGAM2 is on the minus strand). VCF-style: chr7-44065456-C-T. GRCh37 (hg19) VCF-style: chr7-44105055-C-T.
Other names: c.*4540C>T (NM_001014436.3, NM_001122956.2, NM_001284313.2 and 3 more transcripts); short protein forms W25*.
Identifiers: ClinVar variation 3633329 (VCV003633329.2).
Genomic context (GRCh38, chr7:44,065,456, plus strand): 5'-ATGGCCTTGGCTCCCCGCTTGGCCTCCTCGGTCCCCTTTTCACTCAGCTCTGCATCGAAC[C>T]AGCCACAGAAACGGTTCTCCTGGTTCCATGTGCTCTCGCCGTGCCGGACCATCACGAGGC-3'